The following is an entry in ClinVar:

NM_007074.4(CORO1A):c.335_336inv (p.Pro112Leu)

Gene: CORO1A (coronin 1A; plus strand). Cytogenetic location: 16p11.2.
Variant type: Inversion.
Coding change: c.335_336inv on transcript NM_007074.4 (MANE Select).
Protein change: p.Pro112Leu; replaces proline 112 with leucine.
Molecular consequence: missense variant.
Genome position: GRCh38 VCF-style: chr16-30186829-CA-TG. GRCh37 (hg19) VCF-style: chr16-30198150-CA-TG.
Other names: c.335_336inv, p.Pro112Leu (NM_001193333.3); short protein forms P112L.
Identifiers: ClinVar variation 3684028 (VCV003684028.2).

ClinVar aggregate classification (germline): Uncertain significance (1 of 4 stars; one submission).

Conditions:
Severe combined immunodeficiency due to CORO1A deficiency. Also called: Immunodeficiency 8; IMMUNODEFICIENCY 8 WITH LYMPHOPROLIFERATION. Identifiers: Orphanet 228003, MedGen C3809383, MONDO:0014168, OMIM 615401.

Submission:

Labcorp Genetics (formerly Invitae), Labcorp
Classification: Uncertain significance for Severe combined immunodeficiency due to CORO1A deficiency. Last evaluated: 2024-02-18. Review status: criteria provided, single submitter. Criteria: Invitae Variant Classification Sherloc (09022015). Collection method: clinical testing. Allele origin: germline.
Comment: This sequence change replaces proline, which is neutral and non-polar, with leucine, which is neutral and non-polar, at codon 112 of the CORO1A protein (p.Pro112Leu). Information on the frequency of this variant in the gnomAD database is not available, as this variant may be reported differently in the database. This variant has not been reported in the literature in individuals affected with CORO1A-related conditions. An algorithm developed to predict the effect of missense changes on protein structure and function (PolyPhen-2) suggests that this variant is likely to be tolerated. In summary, the available evidence is currently insufficient to determine the role of this variant in disease. Therefore, it has been classified as a Variant of Uncertain Significance.